The following is an entry in ClinVar:

NM_014780.5(CUL7):c.40del (p.Leu14fs)

Gene: CUL7 (cullin 7; minus strand). Cytogenetic location: 6p21.1.
Variant type: Deletion.
Coding change: c.40del on transcript NM_014780.5 (MANE Select); coding-DNA position 40, one base deleted (C; older notation c.40delC).
Protein change: p.Leu14fs; shifts the reading frame from leucine 14.
Molecular consequence: frameshift variant.
Genome position (GRCh38, 1-based): chr6:43,052,749, G deleted on the plus strand (C on the coding strand, the reverse complement: CUL7 is on the minus strand); the first of 4 consecutive G bases (chr6:43,052,749-43,052,752); deleting any one gives the same sequence. VCF-style (leftmost placement, unchanged base first): chr6-43052748-AG-A. GRCh37 (hg19) VCF-style: chr6-43020486-AG-A.
Other names: c.40del, p.Leu14fs (NM_001168370.2, NM_001374872.1, NM_001374873.1 and 1 more transcripts); short protein forms L14fs.
Identifiers: ClinVar variation 5007063 (VCV005007063.2).

ClinVar aggregate classification (germline): Likely pathogenic (1 of 4 stars; one submission).

Conditions:
3M syndrome 1. Also called: 3-M Syndrome, CUL7-Related. Identifiers: Orphanet 2616, MedGen C2678312, MONDO:0010117, OMIM 273750.

Submission:

Juno Genomics, Hangzhou Juno Genomics, Inc
Classification: Likely pathogenic for 3M syndrome 1. Review status: criteria provided, single submitter. Criteria: ACMG Guidelines, 2015. Collection method: clinical testing. Allele origin: germline.
Comment: Null variant in a gene where loss of function (LOF) is a known mechanism of disease.;Absent from controls (or at extremely low frequency if recessive) in Genome Aggregation Database.